The following is an entry in ClinVar:

ClinVar aggregate classification (germline): Likely benign. Review status: criteria provided, multiple submitters, no conflicts (2 of 4 stars). 3 submissions from 3 submitters: Likely benign (3). Last evaluated 2023-04-04.

Conditions:
Hereditary cancer-predisposing syndrome. Also called: Tumor predisposition; Hereditary neoplastic syndrome; Hereditary Cancer Syndrome; Neoplastic Syndromes, Hereditary. Identifiers: Orphanet 140162, MedGen C0027672, MeSH D009386, MONDO:0015356.
Carney complex, type 1 (CNC1). Also called: CARNEY MYXOMA-ENDOCRINE COMPLEX; CARNEY COMPLEX, TYPE I. Identifiers: Orphanet 1359, MedGen C2607929, MONDO:0008057, OMIM 160980.

Allele frequency attached by ClinVar (database versions not stated): gnomAD exomes below 0.00001.

Submissions (3):

Labcorp Genetics (formerly Invitae), Labcorp
Classification: Likely benign for Carney complex, type 1. Last evaluated: 2023-04-04. Review status: criteria provided, single submitter. Criteria: Invitae Variant Classification Sherloc (09022015). Collection method: clinical testing. Allele origin: germline.

CeGaT Center for Human Genetics Tuebingen
Classification: Likely benign. Last evaluated: 2022-09-01. Review status: criteria provided, single submitter. Criteria: CeGaT Center For Human Genetics Tuebingen Variant Classification Criteria Version 2. Collection method: clinical testing. Allele origin: germline. Affected: yes. Observed: 1 variant allele.
Comment: PRKAR1A: PM2:Supporting, BP4, BP7

Ambry Genetics
Classification: Likely benign for Hereditary cancer-predisposing syndrome. Last evaluated: 2021-05-13. Review status: criteria provided, single submitter. Criteria: Ambry Variant Classification Scheme 2023. Collection method: clinical testing. Allele origin: germline.

NM_002734.5(PRKAR1A):c.42C>T (p.Ser14=)

Gene: PRKAR1A (protein kinase cAMP-dependent type I regulatory subunit alpha; plus strand). Cytogenetic location: 17q24.2.
Variant type: single nucleotide variant.
Coding change: c.42C>T on transcript NM_002734.5 (MANE Select); coding-DNA position 42, C replaced by T.
Protein change: p.Ser14=; no amino-acid change (serine 14 retained).
Molecular consequence: synonymous variant.
Genome position (GRCh38, 1-based): chr17:68,515,441, C>T. VCF-style: chr17-68515441-C-T. GRCh37 (hg19) VCF-style: chr17-66511582-C-T.
Other names: c.42C>T, p.Ser14= (NM_001276289.2, NM_001276290.1, NM_001278433.2 and 4 more transcripts).
Identifiers: ClinVar variation 1140064 (VCV001140064.35), dbSNP rs2143149658, ClinGen allele CA501528144.